The following is an entry in ClinVar:

ClinVar aggregate classification (germline): Likely pathogenic (1 of 4 stars; one submission).

Conditions:
Basilicata-Akhtar syndrome. Also called: MENTAL RETARDATION, X-LINKED, SYNDROMIC, BASILICATA-AKHTAR TYPE; INTELLECTUAL DEVELOPMENTAL DISORDER, X-LINKED, SYNDROMIC, 36. Identifiers: MedGen C5231394, MONDO:0026730, OMIM 301032.

Submissions (2):

Victorian Clinical Genetics Services, Murdoch Childrens Research Institute
Classification: Likely pathogenic for Basilicata-Akhtar syndrome. Last evaluated: 2023-12-21. Review status: criteria provided, single submitter. Criteria: ACMG Guidelines, 2015. Collection method: clinical testing. Allele origin: germline. Inheritance: X-linked dominant inheritance. Affected: yes.
Comment: Based on the classification scheme VCGS_Germline_v1.3.4, this variant is classified as Likely pathogenic. Following criteria are met: 0102 - Loss of function is a known mechanism of disease in this gene and is associated with Basilicata-Akhtar syndrome (MIM#301032). (I) 0110 - This gene is associated with X-linked dominant disease. (I) 0211 - Canonical splice site variant without proven consequence on splicing (no functional evidence available). (SP) 0251 - This variant is heterozygous. (I) 0301 - Variant is absent from gnomAD (both v2 and v3). (SP) 0505 - Abnormal splicing is predicted by in silico tools and affected nucleotide is highly conserved. (SP) 0705 - No comparable splice site variants have previous evidence for pathogenicity. (I) 0807 - This variant has no previous evidence of pathogenicity. (I) 0905 - No published segregation evidence has been identified for this variant. (I) 1007 - No published functional evidence has been identified for this variant. (SP) Legend: (SP) - Supporting pathogenic, (I) - Information, (SB) - Supporting benign

Dr. Peter K. Rogan Lab, Western University
No classification provided (evidence only). Condition: Nonpapillary renal cell carcinoma. Review status: no classification provided. Collection method: in vitro. Allele origin: not applicable. Functional consequence: retained intron. Not counted in ClinVar's aggregate classification.

NM_078629.4(MSL3):c.750-2A>G

Gene: MSL3 (MSL complex subunit 3; plus strand). Cytogenetic location: Xp22.2.
Variant type: single nucleotide variant.
Coding change: c.750-2A>G on transcript NM_078629.4 (MANE Select); the canonical splice acceptor site of the intron before coding-DNA position 750, A replaced by G.
Molecular consequence: splice acceptor variant.
Genome position (GRCh38, 1-based): chrX:11,763,778, A>G. VCF-style: chrX-11763778-A-G. GRCh37 (hg19) VCF-style: chrX-11781897-A-G.
Other names: NC_000023.10:g.11781897A>G; c.303-2A>G (NM_001282174.1); c.750-2A>G (NM_078628.2); c.714-2A>G (NM_001193270.2); c.252-2A>G (NM_006800.4).
Identifiers: ClinVar variation 3255017 (VCV003255017.2), dbSNP rs2518423160.